The following is an entry in ClinVar:

NM_001040142.2(SCN2A):c.2513T>C (p.Leu838Pro)

Gene: SCN2A (sodium voltage-gated channel alpha subunit 2; plus strand). Cytogenetic location: 2q24.3.
Variant type: single nucleotide variant.
Coding change: c.2513T>C on transcript NM_001040142.2 (MANE Select); coding-DNA position 2513, T replaced by C.
Protein change: p.Leu838Pro; replaces leucine 838 with proline.
Molecular consequence: missense variant.
Genome position (GRCh38, 1-based): chr2:165,342,420, T>C. VCF-style: chr2-165342420-T-C. GRCh37 (hg19) VCF-style: chr2-166198930-T-C.
Other names: c.2513T>C, p.Leu838Pro (NM_001040143.2, NM_001371246.1, NM_001371247.1 and 1 more transcripts); short protein forms L838P.
Identifiers: ClinVar variation 1716207 (VCV001716207.6), dbSNP rs2467999248, ClinGen allele CA349012774.

ClinVar aggregate classification (germline): Uncertain significance (1 of 4 stars; one submission).

Conditions:
Seizures, benign familial infantile, 3 (BFIS3). Also called: Familial neonatal seizures; CONVULSIONS, BENIGN FAMILIAL INFANTILE, 3. Identifiers: Orphanet 140927, Orphanet 306, MedGen C1843140, MONDO:0011904, OMIM 607745.
Developmental and epileptic encephalopathy, 11 (DEE11). Also called: Early infantile epileptic encephalopathy 11. Identifiers: Orphanet 1934, MedGen C3150987, MONDO:0013388, OMIM 613721.

Submission:

Labcorp Genetics (formerly Invitae), Labcorp
Classification: Uncertain significance for Seizures, benign familial infantile, 3; Developmental and epileptic encephalopathy, 11. Last evaluated: 2024-03-04. Review status: criteria provided, single submitter. Criteria: Invitae Variant Classification Sherloc (09022015). Collection method: clinical testing. Allele origin: germline.
Comment: This sequence change replaces leucine, which is neutral and non-polar, with proline, which is neutral and non-polar, at codon 838 of the SCN2A protein (p.Leu838Pro). This variant is not present in population databases (gnomAD no frequency). This variant has not been reported in the literature in individuals affected with SCN2A-related conditions. ClinVar contains an entry for this variant (Variation ID: 1716207). Advanced modeling of protein sequence and biophysical properties (such as structural, functional, and spatial information, amino acid conservation, physicochemical variation, residue mobility, and thermodynamic stability) has been performed at Invitae for this missense variant, however the output from this modeling did not meet the statistical confidence thresholds required to predict the impact of this variant on SCN2A protein function. In summary, the available evidence is currently insufficient to determine the role of this variant in disease. Therefore, it has been classified as a Variant of Uncertain Significance.